The following is an entry in ClinVar:

NM_001130438.3(SPTAN1):c.3491C>T (p.Ala1164Val)

Gene: SPTAN1 (spectrin alpha, non-erythrocytic 1; plus strand). Cytogenetic location: 9q34.11.
Variant type: single nucleotide variant.
Coding change: c.3491C>T on transcript NM_001130438.3 (MANE Select); coding-DNA position 3491, C replaced by T.
Protein change: p.Ala1164Val; replaces alanine 1164 with valine.
Molecular consequence: missense variant.
Genome position (GRCh38, 1-based): chr9:128,598,476, C>T. VCF-style: chr9-128598476-C-T. GRCh37 (hg19) VCF-style: chr9-131360755-C-T.
Other names: c.3431C>T, p.Ala1144Val (NM_001195532.2, NM_001363765.2, NM_001375314.2); c.3491C>T, p.Ala1164Val (NM_001363759.2, NM_001375310.1, NM_001375311.2 and 2 more transcripts); c.3527C>T, p.Ala1176Val (NM_001375312.2, NM_001375318.1); short protein forms A1144V, A1164V, A1176V.
Identifiers: ClinVar variation 2999895 (VCV002999895.7), dbSNP rs923703783, ClinGen allele CA200392256.
Genomic context (GRCh38, chr9:128,598,476, plus strand): 5'-AGTCACGGTTGAAGGACATTAACAAGGTAGCTGAAGACCTGGAGTCTGAAGGTCTCATGG[C>T]AGAGGAGGTGCAGGCTGTGCAACAACAGGTAGGTGTCTCCATCTTGGAGTGAGGCTCTGT-3'
Protein context (NP_001123910.1, residues 1154-1174): AEDLESEGLM[Ala1164Val]EEVQAVQQQE

ClinVar aggregate classification (germline): Uncertain significance. Review status: criteria provided, multiple submitters, no conflicts (2 of 4 stars). 2 submissions from 2 submitters: Uncertain significance (2). Last evaluated 2026-02-01.

Conditions:
Early-infantile DEE. Also called: Early infantile epileptic encephalopathy; Ohtahara syndrome; Early infantile epileptic encephalopathy with suppression bursts. Identifiers: Orphanet 1934, MedGen C0393706, MONDO:0800491.

Allele frequency attached by ClinVar (database versions not stated): gnomAD exomes below 0.00001; TOPMed below 0.00001.
gnomAD v4.1: 2 of 1,611,558 alleles (0.00012%); highest among the groups gnomAD compares: Admixed American, 0.0034%; no homozygotes.

Submissions (2):

CeGaT Center for Human Genetics Tuebingen
Classification: Uncertain significance. Last evaluated: 2026-02-01. Review status: criteria provided, single submitter. Criteria: CeGaT Center For Human Genetics Tuebingen Variant Classification Criteria Version 2. Collection method: clinical testing. Allele origin: germline. Affected: yes. Observed: 1 variant allele.
Comment: SPTAN1: PM2:Supporting

Labcorp Genetics (formerly Invitae), Labcorp
Classification: Uncertain significance for Early-infantile DEE. Last evaluated: 2025-10-02. Review status: criteria provided, single submitter. Criteria: Invitae Variant Classification Sherloc (09022015). Collection method: clinical testing. Allele origin: germline.
Comment: This sequence change replaces alanine, which is neutral and non-polar, with valine, which is neutral and non-polar, at codon 1164 of the SPTAN1 protein (p.Ala1164Val). This variant is present in population databases (no rsID available, gnomAD 0.003%). This variant has not been reported in the literature in individuals affected with SPTAN1-related conditions. ClinVar contains an entry for this variant (Variation ID: 2999895). Invitae Evidence Modeling of protein sequence and biophysical properties (such as structural, functional, and spatial information, amino acid conservation, physicochemical variation, residue mobility, and thermodynamic stability) has been performed for this missense variant. However, the output from this modeling did not meet the statistical confidence thresholds required to predict the impact of this variant on SPTAN1 protein function. In summary, the available evidence is currently insufficient to determine the role of this variant in disease. Therefore, it has been classified as a Variant of Uncertain Significance.